The following is an entry in ClinVar:

NM_006721.4(ADK):c.1088G>A (p.Ter363=)

Gene: ADK (adenosine kinase; plus strand). Cytogenetic location: 10q22.2.
Variant type: single nucleotide variant.
Coding change: c.1088G>A on transcript NM_006721.4 (MANE Select); coding-DNA position 1088, G replaced by A.
Protein change: p.Ter363=.
Molecular consequence: synonymous variant. On other transcripts: 3 prime UTR variant (1).
Genome position (GRCh38, 1-based): chr10:74,708,444, G>A. VCF-style: chr10-74708444-G-A. GRCh37 (hg19) VCF-style: chr10-76468202-G-A.
Other names: c.1037G>A, p.Ter346= (NM_001123.4); c.983G>A, p.Ter328= (NM_001202449.2); c.917G>A, p.Ter306= (NM_001202450.2); c.*88G>A (NM_001369123.1); c.866G>A, p.Ter289= (NM_001369124.1).
Identifiers: ClinVar variation 300843 (VCV000300843.38), dbSNP rs148819558, ClinGen allele CA5564149.

ClinVar aggregate classification (germline): Benign/Likely benign. Review status: criteria provided, multiple submitters, no conflicts (2 of 4 stars). 5 submissions from 5 submitters: Benign (2); Likely benign (3). Last evaluated 2026-01-20.

Conditions:
Adenosine kinase deficiency. Also called: MENTAL RETARDATION, AUTOSOMAL RECESSIVE 8; Hypermethioninemia due to adenosine kinase deficiency. Identifiers: Orphanet 289290, Orphanet 88616, MedGen C4706555, MONDO:0100255, OMIM 614300.

Allele frequency attached by ClinVar (database versions not stated): ESP Exome Variant Server 0.00108; gnomAD 0.00108 and 0.00128; TOPMed 0.00127; gnomAD exomes 0.00146 and 0.00237; ExAC 0.00225; 1000 Genomes Project 30x 0.00234; 1000 Genomes Project 0.00260.

Submissions (5):

Labcorp Genetics (formerly Invitae), Labcorp
Classification: Benign. Last evaluated: 2026-01-20. Review status: criteria provided, single submitter. Criteria: Invitae Variant Classification Sherloc (09022015). Collection method: clinical testing. Allele origin: germline.

CeGaT Center for Human Genetics Tuebingen
Classification: Likely benign. Last evaluated: 2024-01-01. Review status: criteria provided, single submitter. Criteria: CeGaT Center For Human Genetics Tuebingen Variant Classification Criteria Version 2. Collection method: clinical testing. Allele origin: germline. Affected: yes. Observed: 1 variant allele.
Comment: ADK: BS2

ARUP Laboratories, Molecular Genetics and Genomics, ARUP Laboratories
Classification: Benign for Adenosine kinase deficiency. Last evaluated: 2023-01-04. Review status: criteria provided, single submitter. Criteria: ARUP Molecular Germline Variant Investigation Process 2024. Collection method: clinical testing. Allele origin: germline.

Illumina Laboratory Services, Illumina
Classification: Likely benign for Adenosine kinase deficiency. Last evaluated: 2018-01-12. Review status: criteria provided, single submitter. Criteria: ICSL Variant Classification Criteria 13 December 2019. Collection method: clinical testing. Allele origin: germline.
Comment: This variant was observed in the ICSL laboratory as part of a predisposition screen in an ostensibly healthy population. It had not been previously curated by ICSL or reported in the Human Gene Mutation Database (HGMD: prior to June 1st, 2018), and was therefore a candidate for classification through an automated scoring system. Utilizing variant allele frequency, disease prevalence and penetrance estimates, and inheritance mode, an automated score was calculated to assess if this variant is too frequent to cause the disease. Based on the score and internal cut-off values, a variant classified as likely benign is not then subjected to further curation. The score for this variant resulted in a classification of likely benign for this disease.

Breakthrough Genomics
Classification: Likely benign. Review status: criteria provided, single submitter. Criteria: ACMG Guidelines, 2015. Collection method: not provided. Allele origin: germline. Inheritance: Autosomal recessive inheritance. Affected: yes.